The following is an entry in ClinVar:

ClinVar aggregate classification (germline): Uncertain significance. Review status: criteria provided, multiple submitters, no conflicts (2 of 4 stars). 2 submissions from 2 submitters: Uncertain significance (2). Last evaluated 2024-12-18.

Conditions:
Tumor predisposition syndrome 3 (TPDS3). Also called: Melanoma, cutaneous malignant, susceptibility to, 10; Glioma susceptibility 9; LONG TELOMERE SYNDROME, POT1-RELATED; POT1 Tumor Predisposition. Identifiers: Orphanet 618, MedGen C4014476, MONDO:0014368, OMIM 615848.
Hereditary cancer-predisposing syndrome. Also called: Neoplastic Syndromes, Hereditary; Tumor predisposition; Hereditary Cancer Syndrome; Hereditary neoplastic syndrome. Identifiers: Orphanet 140162, MedGen C0027672, MeSH D009386, MONDO:0015356.

Submissions (2):

Ambry Genetics
Classification: Uncertain significance for Hereditary cancer-predisposing syndrome. Last evaluated: 2024-12-18. Review status: criteria provided, single submitter. Criteria: Ambry Variant Classification Scheme 2023. Collection method: clinical testing. Allele origin: germline.
Comment: The p.V23A variant (also known as c.68T>C), located in coding exon 2 of the POT1 gene, results from a T to C substitution at nucleotide position 68. The valine at codon 23 is replaced by alanine, an amino acid with similar properties. This amino acid position is well conserved in available vertebrate species. In addition, this alteration is predicted to be tolerated by in silico analysis. Based on the available evidence, the clinical significance of this variant remains unclear.

Labcorp Genetics (formerly Invitae), Labcorp
Classification: Uncertain significance for Tumor predisposition syndrome 3. Last evaluated: 2023-07-07. Review status: criteria provided, single submitter. Criteria: Invitae Variant Classification Sherloc (09022015). Collection method: clinical testing. Allele origin: germline.
Comment: This sequence change replaces valine, which is neutral and non-polar, with alanine, which is neutral and non-polar, at codon 23 of the POT1 protein (p.Val23Ala). This variant is not present in population databases (gnomAD no frequency). This variant has not been reported in the literature in individuals affected with POT1-related conditions. ClinVar contains an entry for this variant (Variation ID: 2006353). Advanced modeling of protein sequence and biophysical properties (such as structural, functional, and spatial information, amino acid conservation, physicochemical variation, residue mobility, and thermodynamic stability) performed at Invitae indicates that this missense variant is not expected to disrupt POT1 protein function. In summary, the available evidence is currently insufficient to determine the role of this variant in disease. Therefore, it has been classified as a Variant of Uncertain Significance.

NM_015450.3(POT1):c.68T>C (p.Val23Ala)

Gene: POT1 (protection of telomeres 1; minus strand). Cytogenetic location: 7q31.33.
Variant type: single nucleotide variant.
Coding change: c.68T>C on transcript NM_015450.3 (MANE Select); coding-DNA position 68, T replaced by C.
Protein change: p.Val23Ala; replaces valine 23 with alanine.
Molecular consequence: missense variant. On other transcripts: 5 prime UTR variant (1), non-coding transcript variant (3).
Genome position (GRCh38, 1-based): chr7:124,892,322, A>G on the plus strand (T>C on the coding strand, the complement: POT1 is on the minus strand). VCF-style: chr7-124892322-A-G. GRCh37 (hg19) VCF-style: chr7-124532376-A-G.
Other names: c.68T>C (NM_015450.2); c.-195T>C (NM_001042594.2); short protein forms V23A.
Identifiers: ClinVar variation 2006353 (VCV002006353.5), dbSNP rs2485562718, ClinGen allele CA369066135.